The following is an entry in ClinVar:

ClinVar aggregate classification (germline): Uncertain significance (1 of 4 stars; one submission).

Submission:

Labcorp Genetics (formerly Invitae), Labcorp
Classification: Uncertain significance. Last evaluated: 2024-09-09. Review status: criteria provided, single submitter. Criteria: Invitae Variant Classification Sherloc (09022015). Collection method: clinical testing. Allele origin: germline.
Comment: This sequence change replaces phenylalanine, which is neutral and non-polar, with serine, which is neutral and polar, at codon 190 of the SLC25A42 protein (p.Phe190Ser). This variant is not present in population databases (gnomAD no frequency). This variant has not been reported in the literature in individuals affected with SLC25A42-related conditions. ClinVar contains an entry for this variant (Variation ID: 1901981). Invitae Evidence Modeling of protein sequence and biophysical properties (such as structural, functional, and spatial information, amino acid conservation, physicochemical variation, residue mobility, and thermodynamic stability) indicates that this missense variant is not expected to disrupt SLC25A42 protein function with a negative predictive value of 80%. In summary, the available evidence is currently insufficient to determine the role of this variant in disease. Therefore, it has been classified as a Variant of Uncertain Significance.

NM_178526.5(SLC25A42):c.569T>C (p.Phe190Ser)

Gene: SLC25A42 (solute carrier family 25 member 42; plus strand). Cytogenetic location: 19p13.11.
Variant type: single nucleotide variant.
Coding change: c.569T>C on transcript NM_178526.5 (MANE Select); coding-DNA position 569, T replaced by C.
Protein change: p.Phe190Ser; replaces phenylalanine 190 with serine.
Molecular consequence: missense variant.
Genome position (GRCh38, 1-based): chr19:19,107,965, T>C. VCF-style: chr19-19107965-T-C. GRCh37 (hg19) VCF-style: chr19-19218774-T-C.
Other names: c.569T>C, p.Phe190Ser (NM_001321544.2); short protein forms F190S.
Identifiers: ClinVar variation 1901981 (VCV001901981.5), dbSNP rs2514112838, ClinGen allele CA404895585.